The following is an entry in ClinVar:

NM_194277.3(FRMD7):c.601del (p.Gln201fs)

Gene: FRMD7 (FERM domain containing 7; minus strand). Cytogenetic location: Xq26.2.
Variant type: Deletion.
Coding change: c.601del on transcript NM_194277.3 (MANE Select); coding-DNA position 601, one base deleted (C; older notation c.601delC).
Protein change: p.Gln201fs; shifts the reading frame from glutamine 201.
Molecular consequence: frameshift variant.
Genome position (GRCh38, 1-based): chrX:132,085,625, G deleted on the plus strand (C on the coding strand, the reverse complement: FRMD7 is on the minus strand). VCF-style (leftmost placement, unchanged base first): chrX-132085624-TG-T. GRCh37 (hg19) VCF-style: chrX-131219652-TG-T.
Other names: c.556del, p.Gln186fs (NM_001306193.2); short protein forms Q186fs, Q201fs.
Identifiers: ClinVar variation 2769542 (VCV002769542.3), dbSNP rs2520754488, ClinGen allele CA2697544758.

ClinVar aggregate classification (germline): Pathogenic (1 of 4 stars; one submission).

Submission:

Labcorp Genetics (formerly Invitae), Labcorp
Classification: Pathogenic. Last evaluated: 2023-10-17. Review status: criteria provided, single submitter. Criteria: Invitae Variant Classification Sherloc (09022015). Collection method: clinical testing. Allele origin: germline.
Comment: This sequence change creates a premature translational stop signal (p.Gln201Argfs*31) in the FRMD7 gene. It is expected to result in an absent or disrupted protein product. Loss-of-function variants in FRMD7 are known to be pathogenic (PMID: 17013395). This variant is not present in population databases (gnomAD no frequency). This variant has not been reported in the literature in individuals affected with FRMD7-related conditions. For these reasons, this variant has been classified as Pathogenic.

Literature cited by the submitters: PubMed 17013395.